The following is an entry in ClinVar:

NM_182961.4(SYNE1):c.309+5G>C

Gene: SYNE1 (spectrin repeat containing nuclear envelope protein 1; minus strand). Cytogenetic location: 6q25.2.
Variant type: single nucleotide variant.
Coding change: c.309+5G>C on transcript NM_182961.4 (MANE Select); 5 bases into the intron after coding-DNA position 309, G replaced by C.
Molecular consequence: intron variant.
Genome position (GRCh38, 1-based): chr6:152,520,454, C>G on the plus strand (G>C on the coding strand, the complement: SYNE1 is on the minus strand). VCF-style: chr6-152520454-C-G. GRCh37 (hg19) VCF-style: chr6-152841589-C-G.
Other names: c.309+5G>C (NM_033071.5).
Identifiers: ClinVar variation 1520410 (VCV001520410.6), dbSNP rs2154348308, ClinGen allele CA2573140644.
Genomic context (GRCh38, chr6:152,520,454, plus strand): 5'-ATACTGAAAACATAAGTATGCCCACACCTTCTTCCTTGGGCATTTTGTTTTTGTTTCTCT[C>G]TTACCTTTCTTCCTTCGAGGAACTTGAGTGCCGTGCCAATGTTAGCCACAGCATGGATTC-3'

ClinVar aggregate classification (germline): Uncertain significance (1 of 4 stars; one submission).

Conditions:
Emery-Dreifuss muscular dystrophy 4, autosomal dominant (EDMD4). Also called: EMERY-DREIFUSS MUSCULAR DYSTROPHY 4 WITH VARIABLE FEATURES. Identifiers: Orphanet 261, MedGen C2751807, MONDO:0013071, OMIM 612998.
Autosomal recessive ataxia, Beauce type. Also called: Spinocerebellar ataxia, autosomal recessive 8; ATAXIA, RECESSIVE, OF BEAUCE; SYNE1 Deficiency; SYNE1-Related Autosomal Recessive Cerebellar Ataxia. Identifiers: Orphanet 88644, MedGen C1853116, MONDO:0012549, OMIM 610743.

Submission:

Labcorp Genetics (formerly Invitae), Labcorp
Classification: Uncertain significance for Emery-Dreifuss muscular dystrophy 4, autosomal dominant; Autosomal recessive ataxia, Beauce type. Last evaluated: 2022-11-01. Review status: criteria provided, single submitter. Criteria: Invitae Variant Classification Sherloc (09022015). Collection method: clinical testing. Allele origin: germline.
Comment: In summary, the available evidence is currently insufficient to determine the role of this variant in disease. Therefore, it has been classified as a Variant of Uncertain Significance. Variants that disrupt the consensus splice site are a relatively common cause of aberrant splicing (PMID: 17576681, 9536098). Algorithms developed to predict the effect of sequence changes on RNA splicing suggest that this variant may create or strengthen a splice site. ClinVar contains an entry for this variant (Variation ID: 1520410). This variant has not been reported in the literature in individuals affected with SYNE1-related conditions. This variant is not present in population databases (gnomAD no frequency). This sequence change falls in intron 5 of the SYNE1 gene. It does not directly change the encoded amino acid sequence of the SYNE1 protein. It affects a nucleotide within the consensus splice site.

Literature cited by the submitters: PubMed 17576681; PubMed 9536098.